The following is an entry in ClinVar:

NM_002772.3(TMPRSS15):c.1654+2T>C

Gene: TMPRSS15 (transmembrane serine protease 15; minus strand). Cytogenetic location: 21q21.1.
Variant type: single nucleotide variant.
Coding change: c.1654+2T>C on transcript NM_002772.3 (MANE Select); the canonical splice donor site of the intron after coding-DNA position 1654, T replaced by C.
Molecular consequence: splice donor variant.
Genome position (GRCh38, 1-based): chr21:18,332,082, A>G on the plus strand (T>C on the coding strand, the complement: TMPRSS15 is on the minus strand). VCF-style: chr21-18332082-A-G. GRCh37 (hg19) VCF-style: chr21-19704399-A-G.
Identifiers: ClinVar variation 2637224 (VCV002637224.1), dbSNP rs1389176938, ClinGen allele CA409850097.
Genomic context (GRCh38, chr21:18,332,082, plus strand): 5'-AGGGGAGATCTACATTTCATATGGACATTTGTTTCTGATGACCTGGAAAAGAAATGACTC[A>G]CAGAAAGCCAGATTAGGGTAGCTGTTTGGAAAGTTCGTAGAACTGAATGTTGTATTTGGC-3'

ClinVar aggregate classification (germline): Likely pathogenic (1 of 4 stars; one submission).

Conditions:
TMPRSS15-related disorder. Also called: TMPRSS15-related condition.

Allele frequency attached by ClinVar (database versions not stated): gnomAD exomes below 0.00001; TOPMed below 0.00001; gnomAD 0.00001.
gnomAD v4.1: 2 of 1,613,024 alleles (0.00012%); highest among the groups gnomAD compares: South Asian, 0.0011%; no homozygotes.

Submission:

PreventionGenetics, part of Exact Sciences
Classification: Likely pathogenic for TMPRSS15-related condition. Last evaluated: 2022-10-07. Review status: criteria provided, single submitter. Criteria: ACMG Guidelines, 2015. Collection method: clinical testing. Allele origin: germline.
Comment: The TMPRSS15 c.1654+2T>C variant is predicted to disrupt the GT donor site and interfere with normal splicing. To our knowledge, this variant has not been reported in the literature. This variant is reported in 0.0033% of alleles in individuals of South Asian descent in gnomAD. Variants that disrupt consensus splice donor sites in TMPRSS15 are expected to be pathogenic. This variant is interpreted as likely pathogenic.